The following is an entry in ClinVar:

NM_002519.3(NPAT):c.3689T>C (p.Leu1230Pro)

Gene: NPAT (nuclear protein, coactivator of histone transcription; minus strand). Cytogenetic location: 11q22.3.
Variant type: single nucleotide variant.
Coding change: c.3689T>C on transcript NM_002519.3 (MANE Select); coding-DNA position 3689, T replaced by C.
Protein change: p.Leu1230Pro; replaces leucine 1230 with proline.
Molecular consequence: missense variant.
Genome position (GRCh38, 1-based): chr11:108,161,397, A>G on the plus strand (T>C on the coding strand, the complement: NPAT is on the minus strand). VCF-style: chr11-108161397-A-G. GRCh37 (hg19) VCF-style: chr11-108032124-A-G.
Other names: c.3710T>C, p.Leu1237Pro (NM_001321307.1); short protein forms L1230P, L1237P.
Identifiers: ClinVar variation 1733942 (VCV001733942.2), dbSNP rs1406820951, ClinGen allele CA382510265.
Genomic context (GRCh38, chr11:108,161,397, plus strand): 5'-ATATCCTGTAACATTTCTGTGGTAATCAAAGAACTGGCGGATTTAGTTTGTTCTTGTTTT[A>G]GATCCTTCACAGCTGTACCTACTGAAAGTACATTTTTATTGTTTGAAGATGTGCCTTGTT-3'
Protein context (NP_002510.2, residues 1220-1240): VLSVGTAVKD[Leu1230Pro]KQEQTKSASS

ClinVar aggregate classification (germline): Uncertain significance (1 of 4 stars; one submission).

Allele frequency attached by ClinVar (database versions not stated): gnomAD exomes below 0.00001; gnomAD 0.00003; TOPMed 0.00003.
gnomAD v4.1: 5 of 1,614,078 alleles (0.00031%); highest among the groups gnomAD compares: African/African-American, 0.0067%; no homozygotes.

Submission:

Ambry Genetics
Classification: Uncertain significance. Last evaluated: 2024-03-09. Review status: criteria provided, single submitter. Criteria: Ambry Variant Classification Scheme 2023. Collection method: clinical testing. Allele origin: germline.
Comment: The p.L1230P variant (also known as c.3689T>C), located in coding exon 17 of the NPAT gene, results from a T to C substitution at nucleotide position 3689. The leucine at codon 1230 is replaced by proline, an amino acid with similar properties. This amino acid position is conserved. In addition, this alteration is predicted to be tolerated by in silico analysis. Since supporting evidence is limited at this time, the clinical significance of this alteration remains unclear.